The following is an entry in ClinVar:

ClinVar aggregate classification (germline): Likely benign. Review status: criteria provided, multiple submitters, no conflicts (2 of 4 stars). 2 submissions from 2 submitters: Likely benign (2). Last evaluated 2023-03-03.

Allele frequency attached by ClinVar (database versions not stated): gnomAD 0.00001; gnomAD exomes 0.00001; TOPMed 0.00001.
gnomAD v4.1: 18 of 1,614,002 alleles (0.0011%); highest among the groups gnomAD compares: Non-Finnish European, 0.0015%; no homozygotes.

Submissions (2):

Labcorp Genetics (formerly Invitae), Labcorp
Classification: Likely benign. Last evaluated: 2023-03-03. Review status: criteria provided, single submitter. Criteria: Invitae Variant Classification Sherloc (09022015). Collection method: clinical testing. Allele origin: germline.

Laboratory for Molecular Medicine, Mass General Brigham Personalized Medicine
Classification: Likely benign. Last evaluated: 2020-03-04. Review status: criteria provided, single submitter. Criteria: LMM Criteria. Collection method: clinical testing. Allele origin: germline. Observed: 1 variant allele.
Comment: The c.3867-4C>G variant in MYO15A is classified as likely benign because it does not alter an amino acid residue, it is not located within the splice consensus sequence, and splice prediction algorithms do not predict a newly created splice site. It was absent from large population studies. ACMG/AMP Criteria applied: PM2, BP4, BP7.

NM_016239.4(MYO15A):c.3867-4C>G

Gene: MYO15A (myosin XVA; plus strand). Cytogenetic location: 17p11.2.
Variant type: single nucleotide variant.
Coding change: c.3867-4C>G on transcript NM_016239.4 (MANE Select); 4 bases into the intron before coding-DNA position 3867, C replaced by G.
Molecular consequence: intron variant.
Genome position (GRCh38, 1-based): chr17:18,126,787, C>G. VCF-style: chr17-18126787-C-G. GRCh37 (hg19) VCF-style: chr17-18030101-C-G.
Identifiers: ClinVar variation 930050 (VCV000930050.7), dbSNP rs1323926653, ClinGen allele CA726659284.